The following is an entry in ClinVar:

ClinVar aggregate classification (germline): Likely pathogenic (1 of 4 stars; one submission).

Conditions:
Osteogenesis imperfecta type I (OI1). Also called: OI, TYPE I; OSTEOGENESIS IMPERFECTA TARDA; OSTEOGENESIS IMPERFECTA WITH BLUE SCLERAE; Osteogenesis imperfecta type 1; Classic Non-deforming Osteogenesis Imperfecta with Blue Sclerae; Lobstein's Disease. Identifiers: Orphanet 216796, Orphanet 666, MedGen C0023931, MONDO:0008146, OMIM 166200. Disease mechanism: loss of function.

Submission:

Baylor Genetics
Classification: Likely pathogenic for Osteogenesis imperfecta type I. Last evaluated: 2014-02-04. Review status: criteria provided, single submitter. Criteria: Yang et al. 2013. Collection method: clinical testing. Allele origin: de novo. Inheritance: Autosomal dominant inheritance. Affected: yes. Observed: 1 variant allele, 1 heterozygote. Study: Adult_WES.

Literature cited by the submitters: PubMed 26633545.

NM_000088.4(COL1A1):c.2866G>A (p.Gly956Arg)

Gene: COL1A1 (collagen type I alpha 1 chain; minus strand). Cytogenetic location: 17q21.33.
Variant type: single nucleotide variant.
Coding change: c.2866G>A on transcript NM_000088.4 (MANE Select); coding-DNA position 2866, G replaced by A.
Protein change: p.Gly956Arg; replaces glycine 956 with arginine.
Molecular consequence: missense variant.
Genome position (GRCh38, 1-based): chr17:50,189,239, C>T on the plus strand (G>A on the coding strand, the complement: COL1A1 is on the minus strand). VCF-style: chr17-50189239-C-T. GRCh37 (hg19) VCF-style: chr17-48266600-C-T.
Other names: short protein forms G956R.
Identifiers: ClinVar variation 209140 (VCV000209140.2), dbSNP rs797045033, ClinGen allele CA281504.
Genomic context (GRCh38, chr17:50,189,239, plus strand): 5'-GAAGACCAGGGAAGCCTCTCTCTCCTCTCTGACCAGGCAGGCCGACCACACCACGCTGTC[C>T]AGCAATACCTTGAGGCCCGGGAGTACCAGGAGCACCCTTTGGGAGGCAAACAGGGGTGAG-3'
Protein context (NP_000079.2, residues 946-966): PGTPGPQGIA[Gly956Arg]QRGVVGLPGQ